The following is an entry in ClinVar:

NM_031935.3(HMCN1):c.1225G>C (p.Asp409His)

Gene: HMCN1 (hemicentin 1; plus strand). Cytogenetic location: 1q31.1.
Variant type: single nucleotide variant.
Coding change: c.1225G>C on transcript NM_031935.3 (MANE Select); coding-DNA position 1225, G replaced by C.
Protein change: p.Asp409His; replaces aspartic acid 409 with histidine.
Molecular consequence: missense variant.
Genome position (GRCh38, 1-based): chr1:185,923,593, G>C. VCF-style: chr1-185923593-G-C. GRCh37 (hg19) VCF-style: chr1-185892725-G-C.
Other names: short protein forms D409H.
Identifiers: ClinVar variation 3711041 (VCV003711041.2).
Genomic context (GRCh38, chr1:185,923,593, plus strand): 5'-TGGAATATTTCTGACTTTGTACCACCAAATGAAGCTTTCTTTCTCAAAGTAACAGGCTAT[G>C]ATAAAGATGATTACCTCTTCCAGAGAGTATCAAGTGTTTCCTTTTCTAGTATTGTCCCAG-3'
Protein context (NP_114141.2, residues 399-419): EAFFLKVTGY[Asp409His]KDDYLFQRVS

ClinVar aggregate classification (germline): Uncertain significance (1 of 4 stars; one submission).

gnomAD v4.1: 45 of 1,609,172 alleles (0.0028%); highest among the groups gnomAD compares: Non-Finnish European, 0.0037%; no homozygotes.

Submission:

Labcorp Genetics (formerly Invitae), Labcorp
Classification: Uncertain significance. Last evaluated: 2024-02-16. Review status: criteria provided, single submitter. Criteria: Invitae Variant Classification Sherloc (09022015). Collection method: clinical testing. Allele origin: germline.
Comment: This sequence change replaces aspartic acid, which is acidic and polar, with histidine, which is basic and polar, at codon 409 of the HMCN1 protein (p.Asp409His). This variant is present in population databases (rs375782105, gnomAD 0.003%). This variant has not been reported in the literature in individuals affected with HMCN1-related conditions. An algorithm developed to predict the effect of missense changes on protein structure and function (PolyPhen-2) suggests that this variant is likely to be disruptive. In summary, the available evidence is currently insufficient to determine the role of this variant in disease. Therefore, it has been classified as a Variant of Uncertain Significance.